The following is an entry in ClinVar:

ClinVar aggregate classification (germline): Uncertain significance. Review status: criteria provided, multiple submitters, no conflicts (2 of 4 stars). 2 submissions from 2 submitters: Uncertain significance (2). Last evaluated 2024-01-29.

Allele frequency attached by ClinVar (database versions not stated): TOPMed below 0.00001; gnomAD 0.00001; gnomAD exomes 0.00001.

Submissions (2):

Ambry Genetics
Classification: Uncertain significance. Last evaluated: 2024-01-29. Review status: criteria provided, single submitter. Criteria: Ambry Variant Classification Scheme 2023. Collection method: clinical testing. Allele origin: germline.

GeneDx
Classification: Uncertain significance. Last evaluated: 2022-03-28. Review status: criteria provided, single submitter. Criteria: GeneDx Variant Classification Process June 2021. Collection method: clinical testing. Allele origin: germline. Affected: yes.
Comment: In silico analysis supports that this missense variant has a deleterious effect on protein structure/function; Has not been previously published as pathogenic or benign to our knowledge; Variants in candidate genes are classified as variants of uncertain significance in accordance with ACMG guidelines (Richards et al., 2015)

NM_032603.5(LOXL3):c.1267C>T (p.Arg423Cys)

Gene: LOXL3 (lysyl oxidase like 3; minus strand). Cytogenetic location: 2p13.1.
Variant type: single nucleotide variant.
Coding change: c.1267C>T on transcript NM_032603.5 (MANE Select); coding-DNA position 1267, C replaced by T.
Protein change: p.Arg423Cys; replaces arginine 423 with cysteine.
Molecular consequence: missense variant.
Genome position (GRCh38, 1-based): chr2:74,535,737, G>A on the plus strand (C>T on the coding strand, the complement: LOXL3 is on the minus strand). VCF-style: chr2-74535737-G-A. GRCh37 (hg19) VCF-style: chr2-74762864-G-A.
Other names: c.832C>T, p.Arg278Cys (NM_001289164.3); c.184C>T, p.Arg62Cys (NM_001289165.2); c.1267C>T (NM_032603.2); short protein forms R278C, R423C, R62C.
Identifiers: ClinVar variation 1710605 (VCV001710605.3), dbSNP rs371670966, ClinGen allele CA1728931.